The following is an entry in ClinVar:

ClinVar aggregate classification (germline): Uncertain significance (1 of 4 stars; one submission).

Conditions:
NBEA-related disorder. Also called: NBEA-related condition.

gnomAD v4.1: 3 of 1,608,662 alleles (0.00019%); highest among the groups gnomAD compares: Admixed American, 0.0034%; no homozygotes.

Submission:

PreventionGenetics, part of Exact Sciences
Classification: Uncertain significance for NBEA-related condition. Last evaluated: 2025-05-15. Review status: criteria provided, single submitter. Criteria: ACMG Guidelines, 2015. Collection method: clinical testing. Allele origin: germline.
Comment: The NBEA c.7598C>T variant is predicted to result in the amino acid substitution p.Thr2533Ile. To our knowledge, this variant has not been reported in the literature. This variant is reported in 0.0034% of alleles in individuals of South Asian descent in gnomAD. At this time, the clinical significance of this variant is uncertain due to the absence of conclusive functional and genetic evidence.

NM_001385012.1(NBEA):c.7598C>T (p.Thr2533Ile)

Gene: NBEA (neurobeachin; plus strand). Cytogenetic location: 13q13.3.
Variant type: single nucleotide variant.
Coding change: c.7598C>T on transcript NM_001385012.1 (MANE Select); coding-DNA position 7598, C replaced by T.
Protein change: p.Thr2533Ile; replaces threonine 2533 with isoleucine.
Molecular consequence: missense variant.
Genome position (GRCh38, 1-based): chr13:35,628,229, C>T. VCF-style: chr13-35628229-C-T. GRCh37 (hg19) VCF-style: chr13-36202366-C-T.
Other names: c.977C>T, p.Thr326Ile (NM_001204197.3); c.7589C>T, p.Thr2530Ile (NM_001379245.1); c.7598C>T, p.Thr2533Ile (NM_015678.5); short protein forms T2533I, T2530I, T326I.
Identifiers: ClinVar variation 4982709 (VCV004982709.1).